The following is an entry in ClinVar:

ClinVar aggregate classification (germline): Uncertain significance (1 of 4 stars; one submission).

Conditions:
DICER1-related tumor predisposition. Also called: DICER1 syndrome; DICER1-related pleuropulmonary blastoma cancer predisposition syndrome. Identifiers: Orphanet 284343, MedGen C3839822, MONDO:0100216.

Submission:

Labcorp Genetics (formerly Invitae), Labcorp
Classification: Uncertain significance for DICER1-related tumor predisposition. Last evaluated: 2023-12-13. Review status: criteria provided, single submitter. Criteria: Invitae Variant Classification Sherloc (09022015). Collection method: clinical testing. Allele origin: germline.
Comment: This sequence change replaces cysteine, which is neutral and slightly polar, with phenylalanine, which is neutral and non-polar, at codon 1333 of the DICER1 protein (p.Cys1333Phe). This variant is not present in population databases (gnomAD no frequency). This variant has not been reported in the literature in individuals affected with DICER1-related conditions. ClinVar contains an entry for this variant (Variation ID: 1350546). Advanced modeling of protein sequence and biophysical properties (such as structural, functional, and spatial information, amino acid conservation, physicochemical variation, residue mobility, and thermodynamic stability) has been performed at Invitae for this missense variant, however the output from this modeling did not meet the statistical confidence thresholds required to predict the impact of this variant on DICER1 protein function. In summary, the available evidence is currently insufficient to determine the role of this variant in disease. Therefore, it has been classified as a Variant of Uncertain Significance.

NM_177438.3(DICER1):c.3998G>T (p.Cys1333Phe)

Gene: DICER1 (dicer 1, ribonuclease III; minus strand). Cytogenetic location: 14q32.13.
Variant type: single nucleotide variant.
Coding change: c.3998G>T on transcript NM_177438.3 (MANE Select); coding-DNA position 3998, G replaced by T.
Protein change: p.Cys1333Phe; replaces cysteine 1333 with phenylalanine.
Molecular consequence: missense variant.
Genome position (GRCh38, 1-based): chr14:95,103,398, C>A on the plus strand (G>T on the coding strand, the complement: DICER1 is on the minus strand). VCF-style: chr14-95103398-C-A. GRCh37 (hg19) VCF-style: chr14-95569735-C-A.
Other names: c.3998G>T, p.Cys1333Phe (NM_001195573.1, NM_001271282.3, NM_001291628.2 and 1 more transcripts); short protein forms C1333F.
Identifiers: ClinVar variation 1350546 (VCV001350546.9), dbSNP rs2139954675, ClinGen allele CA390872992.